The following is an entry in ClinVar:

ClinVar aggregate classification (germline): Uncertain significance. Review status: criteria provided, multiple submitters, no conflicts (2 of 4 stars). 2 submissions from 2 submitters: Uncertain significance (2). Last evaluated 2023-03-03.

Allele frequency attached by ClinVar (database versions not stated): gnomAD exomes below 0.00001; gnomAD 0.00001.
gnomAD v4.1: 4 of 1,614,008 alleles (0.00025%); highest among the groups gnomAD compares: Non-Finnish European, 0.00034%; no homozygotes.

Submissions (2):

Ambry Genetics
Classification: Uncertain significance. Last evaluated: 2023-03-03. Review status: criteria provided, single submitter. Criteria: Ambry Variant Classification Scheme 2023. Collection method: clinical testing. Allele origin: germline.
Comment: The p.E193K variant (also known as c.577G>A), located in coding exon 4 of the TMPO gene, results from a G to A substitution at nucleotide position 577. The glutamic acid at codon 193 is replaced by lysine, an amino acid with similar properties. This amino acid position is conserved. In addition, this alteration is predicted to be tolerated by in silico analysis. Since supporting evidence is limited at this time, the clinical significance of this alteration remains unclear.

GeneDx
Classification: Uncertain significance. Last evaluated: 2019-07-02. Review status: criteria provided, single submitter. Criteria: GeneDx Variant Classification Process June 2021. Collection method: clinical testing. Allele origin: germline. Affected: yes.
Comment: Has not been previously published as pathogenic or benign to our knowledge; In silico analysis, which includes protein predictors and evolutionary conservation, supports that this variant does not alter protein structure/function

NM_001032283.3(TMPO):c.565+996G>A

Gene: TMPO (thymopoietin; plus strand). Cytogenetic location: 12q23.1.
Variant type: single nucleotide variant.
Coding change: c.565+996G>A on transcript NM_001032283.3 (MANE Select); 996 bases into the intron after coding-DNA position 565, G replaced by A.
Molecular consequence: intron variant. On other transcripts: missense variant (1).
Genome position (GRCh38, 1-based): chr12:98,532,834, G>A. VCF-style: chr12-98532834-G-A. GRCh37 (hg19) VCF-style: chr12-98926612-G-A.
Other names: c.577G>A, p.Glu193Lys (NM_003276.2); c.565+996G>A (NM_001307975.2, NM_001032284.3); short protein forms E193K.
Identifiers: ClinVar variation 1306832 (VCV001306832.4), dbSNP rs1276631548, ClinGen allele CA386151367.
Genomic context (GRCh38, chr12:98,532,834, plus strand): 5'-GCTCAAACACAGGTAATGCTTAAACTTCCTGCCTCTTTTGCCTCTACAGGAAAGAAGAAA[G>A]AACACAAGAAAGTGAAGTCCACTAGGGATATTGTTCCTTTTTCTGAACTTGGAACTACTC-3'